The following is an entry in ClinVar:

NM_007186.6(CEP250):c.3704C>T (p.Ala1235Val)

Gene: CEP250 (centrosomal protein 250; plus strand). Cytogenetic location: 20q11.22.
Variant type: single nucleotide variant.
Coding change: c.3704C>T on transcript NM_007186.6 (MANE Select); coding-DNA position 3704, C replaced by T.
Protein change: p.Ala1235Val; replaces alanine 1235 with valine.
Molecular consequence: missense variant.
Genome position (GRCh38, 1-based): chr20:35,498,643, C>T. VCF-style: chr20-35498643-C-T. GRCh37 (hg19) VCF-style: chr20-34086472-C-T.
Other names: c.1808C>T, p.Ala603Val (NM_001318219.1); short protein forms A603V, A1235V.
Identifiers: ClinVar variation 840006 (VCV000840006.8), dbSNP rs746352904, ClinGen allele CA9833538.
Genomic context (GRCh38, chr20:35,498,643, plus strand): 5'-TCATTTTTTCAGACCAGAATGGAGCTAGGAGCCTCTTTAAGAGAGGGCCCCTGCTGACTG[C>T]TCTCTCCGCTGAGGCAGTAGCATCTGCCCTCCACAAGCTTCATCAAGACCTGTGGAAGAC-3'
Protein context (NP_009117.2, residues 1225-1245): SLFKRGPLLT[Ala1235Val]LSAEAVASAL

ClinVar aggregate classification (germline): Uncertain significance (1 of 4 stars; one submission).

Allele frequency attached by ClinVar (database versions not stated): gnomAD 0.00001; gnomAD exomes 0.00001; TOPMed 0.00001; ExAC 0.00002.
gnomAD v4.1: 4 of 1,608,254 alleles (0.00025%); highest among the groups gnomAD compares: South Asian, 0.0011%; no homozygotes.

Submission:

Labcorp Genetics (formerly Invitae), Labcorp
Classification: Uncertain significance. Last evaluated: 2019-12-31. Review status: criteria provided, single submitter. Criteria: Invitae Variant Classification Sherloc (09022015). Collection method: clinical testing. Allele origin: germline.
Comment: In summary, the available evidence is currently insufficient to determine the role of this variant in disease. Therefore, it has been classified as a Variant of Uncertain Significance. Algorithms developed to predict the effect of missense changes on protein structure and function are either unavailable or do not agree on the potential impact of this missense change (SIFT: "Not Available"; PolyPhen-2: "Possibly Damaging"; Align-GVGD: "Not Available"). This variant has not been reported in the literature in individuals with CEP250-related conditions. This variant is present in population databases (rs746352904, ExAC 0.003%). This sequence change replaces alanine with valine at codon 1235 of the CEP250 protein (p.Ala1235Val). The alanine residue is moderately conserved and there is a small physicochemical difference between alanine and valine.